The following is an entry in ClinVar:

ClinVar aggregate classification (germline): Pathogenic (1 of 4 stars; one submission).

Conditions:
Marfan syndrome (MFS). Also called: FBN1-Related Marfan Syndrome; MARFAN SYNDROME, TYPE I; Marfan syndrome type 1; Marfan's syndrome; Marfan syndrome, classic. Identifiers: Orphanet 284963, Orphanet 558, MedGen C0024796, MONDO:0007947, OMIM 154700.
Familial thoracic aortic aneurysm and aortic dissection (TAAD). Also called: Thoracic aortic aneurysms and dissections. Identifiers: Orphanet 91387, MedGen C4707243, MONDO:0019625.

Submission:

Labcorp Genetics (formerly Invitae), Labcorp
Classification: Pathogenic for Marfan syndrome; Familial thoracic aortic aneurysm and aortic dissection. Last evaluated: 2019-07-31. Review status: criteria provided, single submitter. Criteria: Invitae Variant Classification Sherloc (09022015). Collection method: clinical testing. Allele origin: germline.
Comment: For these reasons, this variant has been classified as Pathogenic. Loss-of-function variants in FBN1 are known to be pathogenic (PMID: 17657824, 19293843). This sequence change creates a premature translational stop signal (p.Asn98Ilefs*10) in the FBN1 gene. It is expected to result in an absent or disrupted protein product. This variant is not present in population databases (ExAC no frequency). This variant has not been reported in the literature in individuals with FBN1-related conditions.

Literature cited by the submitters: PubMed 17657824; PubMed 19293843.

NM_000138.5(FBN1):c.293del (p.Asn98fs)

Gene: FBN1 (fibrillin 1; minus strand). Cytogenetic location: 15q21.1.
Variant type: Deletion.
Coding change: c.293del on transcript NM_000138.5 (MANE Select); coding-DNA position 293, one base deleted (A; older notation c.293delA).
Protein change: p.Asn98fs; shifts the reading frame from asparagine 98.
Molecular consequence: frameshift variant.
Genome position (GRCh38, 1-based): chr15:48,610,781, T deleted on the plus strand (A on the coding strand, the reverse complement: FBN1 is on the minus strand); the first of 3 consecutive T bases (chr15:48,610,781-48,610,783); deleting any one gives the same sequence. VCF-style (leftmost placement, unchanged base first): chr15-48610780-AT-A. GRCh37 (hg19) VCF-style: chr15-48902977-AT-A.
Other names: short protein forms N98fs.
Identifiers: ClinVar variation 964579 (VCV000964579.7), dbSNP rs2044650356, ClinGen allele CA1139663966.
Genomic context (GRCh38, chr15:48,610,780, plus strand): 5'-AGACTTACTGGATCTGGAGCCACAGGAAGGAGCTATCTGACCAGATGGGCAAGTGCACAT[AT>A]TTGGCCTCGAACAAAATCCATCCCCACAGGAATGCCGGCAAATGGCTGTGAATAAACCAG-3'